The following is an entry in ClinVar:

ClinVar aggregate classification (germline): Uncertain significance (1 of 4 stars; one submission).

Allele frequency attached by ClinVar (database versions not stated): gnomAD exomes 0.00003 and 0.00005; ExAC 0.00015.
gnomAD v4.1: 37 of 1,551,338 alleles (0.0024%); highest among the groups gnomAD compares: South Asian, 0.038%; no homozygotes.

Submission:

Labcorp Genetics (formerly Invitae), Labcorp
Classification: Uncertain significance. Last evaluated: 2021-09-24. Review status: criteria provided, single submitter. Criteria: Invitae Variant Classification Sherloc (09022015). Collection method: clinical testing. Allele origin: germline.
Comment: This sequence change replaces arginine with glycine at codon 1387 of the EYS protein (p.Arg1387Gly). The arginine residue is weakly conserved and there is a moderate physicochemical difference between arginine and glycine. This variant is present in population databases (rs758327507, ExAC 0.04%). This variant has not been reported in the literature in individuals with EYS-related conditions. Algorithms developed to predict the effect of missense changes on protein structure and function output the following: SIFT: "Tolerated"; PolyPhen-2: "Benign"; Align-GVGD: "Class C0". The glycine amino acid residue is found in multiple mammalian species, suggesting that this missense change does not adversely affect protein function. These predictions have not been confirmed by published functional studies and their clinical significance is uncertain. In summary, the available evidence is currently insufficient to determine the role of this variant in disease. Therefore, it has been classified as a Variant of Uncertain Significance.

NM_001142800.2(EYS):c.4159A>G (p.Arg1387Gly)

Gene: EYS (eyes shut homolog; minus strand). Cytogenetic location: 6q12.
Variant type: single nucleotide variant.
Coding change: c.4159A>G on transcript NM_001142800.2 (MANE Select); coding-DNA position 4159, A replaced by G.
Protein change: p.Arg1387Gly; replaces arginine 1387 with glycine.
Molecular consequence: missense variant.
Genome position (GRCh38, 1-based): chr6:64,591,708, T>C on the plus strand (A>G on the coding strand, the complement: EYS is on the minus strand). VCF-style: chr6-64591708-T-C. GRCh37 (hg19) VCF-style: chr6-65301601-T-C.
Other names: c.4159A>G, p.Arg1387Gly (NM_001292009.2); short protein forms R1387G.
Identifiers: ClinVar variation 1440163 (VCV001440163.5), dbSNP rs758327507, ClinGen allele CA3877101.
Genomic context (GRCh38, chr6:64,591,708, plus strand): 5'-GTGTAGGAAAAATAAAATCTGACATTAAGGAAGACATGATAAATGGGGTCCTTGCTCTCC[T>C]ATCAGGAAAAAAGAAACCTAGTGTGGCTGCTGAAGTTCGAATAGGCATATGTGATACCGA-3'
Protein context (NP_001136272.1, residues 1377-1397): AATLGFFFPD[Arg1387Gly]RARTPFIMSS